The following is an entry in ClinVar:

NM_005732.4(RAD50):c.3909_3912dup (p.Ser1305delinsCysTer)

Genes: RAD50 (RAD50 double strand break repair protein; plus strand), TH2LCRR (T helper type 2 locus control region associated RNA; minus strand). Cytogenetic location: 5q31.1.
Variant type: Duplication.
Coding change: c.3909_3912dup on transcript NM_005732.4 (MANE Select); coding-DNA positions 3909 to 3912, 4 bases duplicated (TGTT; older notation c.3909_3912dupTGTT).
Protein change: p.Ser1305delinsCysTer.
Molecular consequence: nonsense.
Genome position (GRCh38, 1-based): chr5:132,642,334-132,642,337, TGTT duplicated. VCF-style (leftmost placement, unchanged base first): chr5-132642333-G-GTGTT. GRCh37 (hg19) VCF-style: chr5-131978025-G-GTGTT.
Identifiers: ClinVar variation 1025641 (VCV001025641.2), dbSNP rs1751745988, ClinGen allele CA1583254669.
Genomic context (GRCh38, chr5:132,642,333, plus strand): 5'-TGGAGAAATTCTACAGGATTAAAAAGAACATCGATCAGTGCTCAGAGATTGTGAAATGCA[G>GTGTT]TGTTAGCTCCCTGGGATTCAATGTTCATTAAAAATATCCAAGATTTAAATGCCATAGAAA-3'

ClinVar aggregate classification (germline): Uncertain significance (1 of 4 stars; one submission).

Conditions:
Hereditary cancer-predisposing syndrome. Also called: Neoplastic Syndromes, Hereditary; Tumor predisposition; Hereditary Cancer Syndrome; Hereditary neoplastic syndrome. Identifiers: Orphanet 140162, MedGen C0027672, MeSH D009386, MONDO:0015356.

Allele frequency attached by ClinVar (database versions not stated): TOPMed below 0.00001.

Submission:

Labcorp Genetics (formerly Invitae), Labcorp
Classification: Uncertain significance for Hereditary cancer-predisposing syndrome. Last evaluated: 2018-06-21. Review status: criteria provided, single submitter. Criteria: Invitae Variant Classification Sherloc (09022015). Collection method: clinical testing. Allele origin: germline.
Comment: This sequence change results in a premature translational stop signal in the RAD50 gene (p.Ser1305Cysfs*2). While this is not anticipated to result in nonsense mediated decay, it is expected to disrupt the last 8 amino acids of the RAD50 protein. This variant is not present in population databases (ExAC no frequency). This variant has not been reported in the literature in individuals with RAD50-related disease. In summary, the available evidence is currently insufficient to determine the role of this variant in disease. Therefore, it has been classified as a Variant of Uncertain Significance.